The following is an entry in ClinVar:

ClinVar aggregate classification (germline): Uncertain significance (1 of 4 stars; one submission).

Conditions:
Baller-Gerold syndrome (BGS). Also called: CRANIOSYNOSTOSIS WITH RADIAL DEFECTS. Identifiers: Orphanet 1225, MedGen C0265308, MONDO:0009039, OMIM 218600.

Submission:

Labcorp Genetics (formerly Invitae), Labcorp
Classification: Uncertain significance for Baller-Gerold syndrome. Last evaluated: 2023-08-03. Review status: criteria provided, single submitter. Criteria: Invitae Variant Classification Sherloc (09022015). Collection method: clinical testing. Allele origin: germline.
Comment: This sequence change replaces valine, which is neutral and non-polar, with leucine, which is neutral and non-polar, at codon 227 of the RECQL4 protein (p.Val227Leu). This variant is not present in population databases (gnomAD no frequency). This variant has not been reported in the literature in individuals affected with RECQL4-related conditions. ClinVar contains an entry for this variant (Variation ID: 2198426). Advanced modeling of protein sequence and biophysical properties (such as structural, functional, and spatial information, amino acid conservation, physicochemical variation, residue mobility, and thermodynamic stability) performed at Invitae indicates that this missense variant is not expected to disrupt RECQL4 protein function. In summary, the available evidence is currently insufficient to determine the role of this variant in disease. Therefore, it has been classified as a Variant of Uncertain Significance.

NM_004260.4(RECQL4):c.679G>C (p.Val227Leu)

Gene: RECQL4 (RecQ like helicase 4; minus strand). Cytogenetic location: 8q24.3.
Variant type: single nucleotide variant.
Coding change: c.679G>C on transcript NM_004260.4 (MANE Select); coding-DNA position 679, G replaced by C.
Protein change: p.Val227Leu; replaces valine 227 with leucine.
Molecular consequence: missense variant.
Genome position (GRCh38, 1-based): chr8:144,516,440, C>G on the plus strand (G>C on the coding strand, the complement: RECQL4 is on the minus strand). VCF-style: chr8-144516440-C-G. GRCh37 (hg19) VCF-style: chr8-145741824-C-G.
Other names: c.679G>C, p.Val227Leu (NM_001413017.1, NM_001413018.1, NM_001413019.1 and 4 more transcripts); c.-393G>C (NM_001413022.1, NM_001413023.1, NM_001413024.1 and 5 more transcripts); c.550G>C, p.Val184Leu (NM_001413025.1); c.-455G>C (NM_001413027.1, NM_001413030.1, NM_001413031.1 and 2 more transcripts); c.-297G>C (NM_001413034.1); c.-662G>C (NM_001413043.1); short protein forms V227L, V184L.
Identifiers: ClinVar variation 2198426 (VCV002198426.4), dbSNP rs762756480, ClinGen allele CA372689758.